The following is an entry in ClinVar:

NM_014476.6(PDLIM3):c.503C>T (p.Ala168Val)

Gene: PDLIM3 (PDZ and LIM domain 3; minus strand). Cytogenetic location: 4q35.1.
Variant type: single nucleotide variant.
Coding change: c.503C>T on transcript NM_014476.6 (MANE Select); coding-DNA position 503, C replaced by T.
Protein change: p.Ala168Val; replaces alanine 168 with valine.
Molecular consequence: missense variant. On other transcripts: intron variant (3).
Genome position (GRCh38, 1-based): chr4:185,508,458, G>A on the plus strand (C>T on the coding strand, the complement: PDLIM3 is on the minus strand). VCF-style: chr4-185508458-G-A. GRCh37 (hg19) VCF-style: chr4-186429612-G-A.
Other names: c.162-1806C>T (NM_001257963.2); c.399-1806C>T (NM_001257962.2); c.519-1806C>T (NM_001114107.5); short protein forms A168V.
Identifiers: ClinVar variation 1744941 (VCV001744941.5), dbSNP rs2478342600, ClinGen allele CA358924024.

ClinVar aggregate classification (germline): Uncertain significance. Review status: criteria provided, multiple submitters, no conflicts (2 of 4 stars). 2 submissions from 2 submitters: Uncertain significance (2). Last evaluated 2024-02-23.

Conditions:
Primary dilated cardiomyopathy (DCM). Also called: Dilated Cardiomyopathy. Identifiers: Orphanet 217604, MedGen C0007193, MeSH D002311, MONDO:0005021, HP:0001644. Inheritance: Various modes of inheritance.
Hypertrophic cardiomyopathy. Also called: HYPERTROPHIC MYOCARDIOPATHY. Identifiers: Orphanet 217569, MedGen C0007194, MeSH D002312, MONDO:0005045, HP:0001639.

Submissions (2):

Labcorp Genetics (formerly Invitae), Labcorp
Classification: Uncertain significance for Hypertrophic cardiomyopathy; Primary dilated cardiomyopathy. Last evaluated: 2024-02-23. Review status: criteria provided, single submitter. Criteria: Invitae Variant Classification Sherloc (09022015). Collection method: clinical testing. Allele origin: germline.
Comment: This sequence change replaces alanine, which is neutral and non-polar, with valine, which is neutral and non-polar, at codon 168 of the PDLIM3 protein (p.Ala168Val). This variant is not present in population databases (gnomAD no frequency). This variant has not been reported in the literature in individuals affected with PDLIM3-related conditions. ClinVar contains an entry for this variant (Variation ID: 1744941). An algorithm developed to predict the effect of missense changes on protein structure and function (PolyPhen-2) suggests that this variant is likely to be tolerated. In summary, the available evidence is currently insufficient to determine the role of this variant in disease. Therefore, it has been classified as a Variant of Uncertain Significance.

Ambry Genetics
Classification: Uncertain significance. Last evaluated: 2021-07-15. Review status: criteria provided, single submitter. Criteria: Ambry Variant Classification Scheme 2023. Collection method: clinical testing. Allele origin: germline.
Comment: The p.A168V variant (also known as c.503C>T), located in coding exon 5 of the PDLIM3 gene, results from a C to T substitution at nucleotide position 503. The alanine at codon 168 is replaced by valine, an amino acid with similar properties. This amino acid position is conserved. In addition, this alteration is predicted to be tolerated by in silico analysis. Since supporting evidence is limited at this time, the clinical significance of this alteration remains unclear.